The following is an entry in ClinVar:

ClinVar aggregate classification (germline): Likely benign (1 of 4 stars; one submission).

Conditions:
NID2-related condition.

gnomAD v4.1: 928 of 1,577,112 alleles (0.059%); highest among the groups gnomAD compares: Non-Finnish European, 0.075%; 1 homozygote.

Submission:

PreventionGenetics, part of Exact Sciences
Classification: Likely benign for NID2-related condition. Last evaluated: 2025-12-01. Review status: criteria provided, single submitter. Criteria: ACMG Guidelines, 2015. Collection method: clinical testing. Allele origin: germline.
Comment: This variant is classified as likely benign based on ACMG/AMP sequence variant interpretation guidelines (Richards et al. 2015 PMID: 25741868, with internal and published modifications).

NM_007361.4(NID2):c.1826-44C>T

Gene: NID2 (nidogen 2; minus strand). Cytogenetic location: 14q22.1.
Variant type: single nucleotide variant.
Coding change: c.1826-44C>T on transcript NM_007361.4 (MANE Select); 44 bases into the intron before coding-DNA position 1826, C replaced by T.
Molecular consequence: intron variant.
Genome position (GRCh38, 1-based): chr14:52,040,895, G>A on the plus strand (C>T on the coding strand, the complement: NID2 is on the minus strand). VCF-style: chr14-52040895-G-A. GRCh37 (hg19) VCF-style: chr14-52507613-G-A.
Identifiers: ClinVar variation 4988550 (VCV004988550.1).